The following is an entry in ClinVar:

NM_058246.4(DNAJB6):c.278del (p.Phe93fs)

Gene: DNAJB6 (DnaJ heat shock protein family (Hsp40) member B6; plus strand). Cytogenetic location: 7q36.3.
Variant type: Deletion.
Coding change: c.278del on transcript NM_058246.4 (MANE Select); coding-DNA position 278, one base deleted (T; older notation c.278delT).
Protein change: p.Phe93fs; shifts the reading frame from phenylalanine 93.
Molecular consequence: frameshift variant.
Genome position (GRCh38, 1-based): chr7:157,367,415, T deleted; the last of 2 consecutive T bases (chr7:157,367,414-157,367,415); deleting either gives the same sequence. VCF-style (leftmost placement, unchanged base first): chr7-157367413-AT-A. GRCh37 (hg19) VCF-style: chr7-157160107-AT-A.
Other names: c.278del, p.Phe93fs (NM_001363676.1, NM_005494.3); short protein forms F93fs.
Identifiers: ClinVar variation 1469532 (VCV001469532.6), dbSNP rs2116995503, ClinGen allele CA2573141880.

ClinVar aggregate classification (germline): Uncertain significance (1 of 4 stars; one submission).

Conditions:
Autosomal dominant limb-girdle muscular dystrophy type 1D (DNAJB6) (LGMDD1). Also called: MUSCULAR DYSTROPHY, LIMB-GIRDLE, TYPE 1D; Autosomal dominant limb-girdle muscular dystrophy type 1D; Muscular dystrophy, limb-girdle, autosomal dominant 1; MUSCULAR DYSTROPHY, AUTOSOMAL DOMINANT, WITH RIMMED VACUOLES. Identifiers: Orphanet 34516, MedGen C4721885, MONDO:0021018, OMIM 603511.

Submission:

Labcorp Genetics (formerly Invitae), Labcorp
Classification: Uncertain significance for Autosomal dominant limb-girdle muscular dystrophy type 1D (DNAJB6). Last evaluated: 2020-12-02. Review status: criteria provided, single submitter. Criteria: Invitae Variant Classification Sherloc (09022015). Collection method: clinical testing. Allele origin: germline.
Comment: This variant is not present in population databases (ExAC no frequency). This sequence change creates a premature translational stop signal (p.Phe93Serfs*75) in the DNAJB6 gene. It is expected to result in an absent or disrupted protein product. However, the current clinical and genetic evidence is not sufficient to establish whether loss-of-function variants in DNAJB6 cause disease. This variant has not been reported in the literature in individuals with DNAJB6-related conditions. In summary, the available evidence is currently insufficient to determine the role of this variant in disease. Therefore, it has been classified as a Variant of Uncertain Significance.